The following is an entry in ClinVar:

NM_001136472.2(LITAF):c.378-255C>T

Gene: LITAF (lipopolysaccharide induced TNF factor; minus strand). Cytogenetic location: 16p13.13.
Variant type: single nucleotide variant.
Coding change: c.378-255C>T on transcript NM_001136472.2 (MANE Select); 255 bases into the intron before coding-DNA position 378, C replaced by T.
Molecular consequence: intron variant.
Genome position (GRCh38, 1-based): chr16:11,550,000, G>A on the plus strand (C>T on the coding strand, the complement: LITAF is on the minus strand). VCF-style: chr16-11550000-G-A. GRCh37 (hg19) VCF-style: chr16-11643856-G-A.
Other names: c.*17-255C>T (NM_001136473.1); c.378-255C>T (NM_004862.4).
Identifiers: ClinVar variation 671795 (VCV000671795.2), dbSNP rs75012078, ClinGen allele CA14212184.

ClinVar aggregate classification (germline): Benign. Review status: criteria provided, multiple submitters, no conflicts (2 of 4 stars). 2 submissions from 2 submitters: Benign (2). Last evaluated 2018-06-19.

Allele frequency attached by ClinVar (database versions not stated): 1000 Genomes Project 0.04972; 1000 Genomes Project 30x 0.04997; TOPMed 0.08489; gnomAD 0.08940 and 0.09312.
gnomAD v4.1: 13,606 of 152,252 alleles (8.9%); highest among the groups gnomAD compares: Non-Finnish European, 11%; 692 homozygotes.

Submissions (2):

GeneDx
Classification: Benign. Last evaluated: 2018-06-19. Review status: criteria provided, single submitter. Criteria: GeneDx Variant Classification (06012015). Collection method: clinical testing. Allele origin: germline. Affected: yes.
Comment: This variant is considered likely benign or benign based on one or more of the following criteria: it is a conservative change, it occurs at a poorly conserved position in the protein, it is predicted to be benign by multiple in silico algorithms, and/or has population frequency not consistent with disease.

Breakthrough Genomics
Classification: Benign. Review status: criteria provided, single submitter. Criteria: ACMG Guidelines, 2015. Collection method: not provided. Allele origin: germline. Inheritance: Autosomal dominant inheritance. Affected: yes.